The following is an entry in ClinVar:

NM_000443.4(ABCB4):c.430C>G (p.Arg144Gly)

Gene: ABCB4 (ATP binding cassette subfamily B member 4; minus strand). Cytogenetic location: 7q21.12.
Variant type: single nucleotide variant.
Coding change: c.430C>G on transcript NM_000443.4 (MANE Select); coding-DNA position 430, C replaced by G.
Protein change: p.Arg144Gly; replaces arginine 144 with glycine.
Molecular consequence: missense variant.
Genome position (GRCh38, 1-based): chr7:87,453,050, G>C on the plus strand (C>G on the coding strand, the complement: ABCB4 is on the minus strand). VCF-style: chr7-87453050-G-C. GRCh37 (hg19) VCF-style: chr7-87082366-G-C.
Other names: c.430C>G, p.Arg144Gly (NM_018849.3, NM_018850.3); short protein forms R144G.
Identifiers: ClinVar variation 3336471 (VCV003336471.1).

ClinVar aggregate classification (germline): Uncertain significance (1 of 4 stars; one submission).

gnomAD v4.1: 1 of 1,613,750 alleles (0.000062%); highest among the groups gnomAD compares: Non-Finnish European, 0.000085%; no homozygotes.

Submission:

Women's Health and Genetics/Laboratory Corporation of America, LabCorp
Classification: Uncertain significance. Last evaluated: 2024-05-21. Review status: criteria provided, single submitter. Criteria: LabCorp Variant Classification Summary - May 2015. Collection method: clinical testing. Allele origin: germline.
Comment: Variant summary: ABCB4 c.430C>G (p.Arg144Gly) results in a non-conservative amino acid change located in the ABC transporter type 1, transmembrane domain (IPR011527) of the encoded protein sequence. Five of five in-silico tools predict a damaging effect of the variant on protein function. The variant was absent in 251350 control chromosomes (gnomAD). The available data on variant occurrences in the general population are insufficient to allow any conclusion about variant significance. To our knowledge, no occurrence of c.430C>G in individuals affected with Familial Intrahepatic Cholestasis and no experimental evidence demonstrating its impact on protein function have been reported. No submitters have cited clinical-significance assessments for this variant to ClinVar. Based on the evidence outlined above, the variant was classified as uncertain significance.